The following is an entry in ClinVar:

ClinVar aggregate classification (germline): Pathogenic. Review status: criteria provided, multiple submitters, no conflicts (2 of 4 stars). 2 submissions from 2 submitters: Pathogenic (2). Last evaluated 2022-09-27.

Conditions:
Mulibrey nanism syndrome. Also called: PERHEENTUPA SYNDROME; PERICARDIAL CONSTRICTION AND GROWTH FAILURE; MUSCLE-LIVER-BRAIN-EYE NANISM. Identifiers: Orphanet 2576, MedGen C0524582, MONDO:0009664, OMIM 253250.

Submissions (2):

Labcorp Genetics (formerly Invitae), Labcorp
Classification: Pathogenic. Last evaluated: 2022-09-27. Review status: criteria provided, single submitter. Criteria: Invitae Variant Classification Sherloc (09022015). Collection method: clinical testing. Allele origin: germline.
Comment: This variant is not present in population databases (gnomAD no frequency). For these reasons, this variant has been classified as Pathogenic. This variant has not been reported in the literature in individuals affected with TRIM37-related conditions. This sequence change creates a premature translational stop signal (p.Glu46Alafs*31) in the TRIM37 gene. It is expected to result in an absent or disrupted protein product. Loss-of-function variants in TRIM37 are known to be pathogenic (PMID: 10888877, 15108285).

3billion
Classification: Pathogenic for Mulibrey nanism syndrome. Last evaluated: 2022-09-01. Review status: criteria provided, single submitter. Criteria: ACMG Guidelines, 2015. Collection method: clinical testing. Allele origin: germline. Affected: yes. Observed: 1 homozygote.
Comment: The variant is not observed in the gnomAD v2.1.1 dataset. Frameshift variant is predicted to result in a loss or disruption of normal protein function through nonsense-mediated decay (NMD) or protein truncation. Multiple pathogenic variants are reported downstream of the variant. Therefore, this variant is classified as Pathogenic according to the recommendation of ACMG/AMP guideline.

Literature cited by the submitters: PubMed 10888877 (cited by Labcorp Genetics (formerly Invitae), Labcorp); PubMed 15108285 (cited by Labcorp Genetics (formerly Invitae), Labcorp).

NM_015294.6(TRIM37):c.137_138del (p.Glu46fs)

Gene: TRIM37 (tripartite motif containing 37; minus strand). Cytogenetic location: 17q22.
Variant type: Microsatellite.
Coding change: c.137_138del on transcript NM_015294.6 (MANE Select); coding-DNA positions 137 to 138, 2 bases deleted (AG; older notation c.137_138delAG).
Protein change: p.Glu46fs; shifts the reading frame from glutamic acid 46.
Molecular consequence: frameshift variant. On other transcripts: 5 prime UTR variant (3), non-coding transcript variant (2).
Genome position (GRCh38, 1-based): chr17:59,091,326-59,091,327, CT deleted on the plus strand (AG on the coding strand, the reverse complement: TRIM37 is on the minus strand); deleting any 2 consecutive bases within chr17:59,091,326-59,091,329 gives the same sequence; the c. name uses the placement nearest the transcript's 3' end. VCF-style (leftmost placement, unchanged base first): chr17-59091325-GCT-G. GRCh37 (hg19) VCF-style: chr17-57168686-GCT-G.
Other names: c.137_138del, p.Glu46fs (NM_001005207.5, NM_001320988.3, NM_001320989.3 and 2 more transcripts); c.35_36del, p.Glu12fs (NM_001320987.3, NM_001353082.2); c.-308AG[1] (NM_001320990.3); c.-618AG[1] (NM_001353083.2); c.-240AG[1] (NM_001353085.2); short protein forms E12fs, E46fs.
Identifiers: ClinVar variation 1705426 (VCV001705426.6), dbSNP rs2044281812, ClinGen allele CA2267990580.